The following is an entry in ClinVar:

NM_014712.3(SETD1A):c.2943C>T (p.Asp981=)

Gene: SETD1A (SET domain containing 1A, histone lysine methyltransferase; plus strand). Cytogenetic location: 16p11.2.
Variant type: single nucleotide variant.
Coding change: c.2943C>T on transcript NM_014712.3 (MANE Select); coding-DNA position 2943, C replaced by T.
Protein change: p.Asp981=; no amino-acid change (aspartic acid 981 retained).
Molecular consequence: synonymous variant.
Genome position (GRCh38, 1-based): chr16:30,969,616, C>T. VCF-style: chr16-30969616-C-T. GRCh37 (hg19) VCF-style: chr16-30980937-C-T.
Identifiers: ClinVar variation 3041579 (VCV003041579.4), dbSNP rs200721841, ClinGen allele CA8017113.

ClinVar aggregate classification (germline): Likely benign. Review status: criteria provided, multiple submitters, no conflicts (2 of 4 stars). 3 submissions from 3 submitters: Likely benign (2). 1 of the submissions does not count toward it. Last evaluated 2026-09-01.

Conditions:
SETD1A-related disorder. Also called: SETD1A-related condition.

Allele frequency attached by ClinVar (database versions not stated): ESP Exome Variant Server 0.00008; 1000 Genomes Project 30x 0.00016; 1000 Genomes Project 0.00020; TOPMed 0.00029; gnomAD exomes 0.00050; gnomAD 0.00060; ExAC 0.00121.
gnomAD v4.1: 825 of 1,613,876 alleles (0.051%); highest among the groups gnomAD compares: Non-Finnish European, 0.044%; 1 homozygote.

Submissions (3):

CeGaT Center for Human Genetics Tuebingen
Classification: Likely benign. Last evaluated: 2026-09-01. Review status: criteria provided, single submitter. Criteria: CeGaT Center For Human Genetics Tuebingen Variant Classification Criteria Version 2. Collection method: clinical testing. Allele origin: germline. Affected: yes. Observed: 1 variant allele.
Comment: SETD1A: BP4, BP7

Blueprint Genetics
Classification: Likely benign. Last evaluated: 2024-11-13. Review status: criteria provided, single submitter. Criteria: ACMG Guidelines, 2015. Collection method: clinical testing. Allele origin: germline.

PreventionGenetics, part of Exact Sciences
Classification: Likely benign for SETD1A-related condition. Last evaluated: 2019-05-13. Review status: no assertion criteria provided. Collection method: clinical testing. Allele origin: germline. Not counted in ClinVar's aggregate classification.
Comment: This variant is classified as likely benign based on ACMG/AMP sequence variant interpretation guidelines (Richards et al. 2015 PMID: 25741868, with internal and published modifications).